The following is an entry in ClinVar:

NM_014326.5(DAPK2):c.203G>A (p.Arg68Gln)

Gene: DAPK2 (death associated protein kinase 2; minus strand). Cytogenetic location: 15q22.31.
Variant type: single nucleotide variant.
Coding change: c.203G>A on transcript NM_014326.5 (MANE Select); coding-DNA position 203, G replaced by A.
Protein change: p.Arg68Gln; replaces arginine 68 with glutamine.
Molecular consequence: missense variant.
Genome position (GRCh38, 1-based): chr15:63,983,644, C>T on the plus strand (G>A on the coding strand, the complement: DAPK2 is on the minus strand). VCF-style: chr15-63983644-C-T. GRCh37 (hg19) VCF-style: chr15-64275843-C-T.
Other names: c.203G>A, p.Arg68Gln (NM_001363730.2); short protein forms R68Q.
Identifiers: ClinVar variation 778099 (VCV000778099.28), dbSNP rs117564318, ClinGen allele CA7607260.
Genomic context (GRCh38, chr15:63,983,644, plus strand): 5'-GTGATGACATTGTGGTGCAGCACCTGCCGCAGGATGCTCACCTCCCGCTCGATCTCCTCC[C>T]GGCTCACACCGCGCCGGCTCGCCCGGCTCTGCCGCTTCTTGATGAACTTGGCTGCATACT-3'
Protein context (NP_055141.2, residues 58-78): QSRASRRGVS[Arg68Gln]EEIEREVSIL

ClinVar aggregate classification (germline): Benign/Likely benign. Review status: criteria provided, multiple submitters, no conflicts (2 of 4 stars). 3 submissions from 3 submitters: Benign (2); Likely benign (1). Last evaluated 2023-03-01.

Allele frequency attached by ClinVar (database versions not stated): 1000 Genomes Project 30x 0.00109; 1000 Genomes Project 0.00120; TOPMed 0.00292; ESP Exome Variant Server 0.00323.
gnomAD v4.1: 7,244 of 1,614,194 alleles (0.45%); highest among the groups gnomAD compares: Non-Finnish European, 0.49%; 26 homozygotes.

Submissions (3):

CeGaT Center for Human Genetics Tuebingen
Classification: Likely benign. Last evaluated: 2023-03-01. Review status: criteria provided, single submitter. Criteria: CeGaT Center For Human Genetics Tuebingen Variant Classification Criteria Version 2. Collection method: clinical testing. Allele origin: germline. Affected: yes. Observed: 1 variant allele.
Comment: DAPK2: BP4, BS2

Labcorp Genetics (formerly Invitae), Labcorp
Classification: Benign. Last evaluated: 2018-04-17. Review status: criteria provided, single submitter. Criteria: Invitae Variant Classification Sherloc (09022015). Collection method: clinical testing. Allele origin: germline.

Breakthrough Genomics
Classification: Benign. Review status: criteria provided, single submitter. Criteria: ACMG Guidelines, 2015. Collection method: not provided. Allele origin: germline. Inheritance: Unknown mechanism. Affected: yes.